The following is an entry in ClinVar:

ClinVar aggregate classification (germline): Conflicting classifications of pathogenicity. Review status: criteria provided, conflicting classifications (1 of 4 stars). 5 submissions from 5 submitters: Uncertain significance (4); Likely benign (1). Last evaluated 2025-07-12.

Conditions:
Hereditary cancer-predisposing syndrome. Also called: Hereditary neoplastic syndrome; Neoplastic Syndromes, Hereditary; Tumor predisposition; Hereditary Cancer Syndrome. Identifiers: Orphanet 140162, MedGen C0027672, MeSH D009386, MONDO:0015356.
Hereditary breast ovarian cancer syndrome. Also called: Hereditary breast and ovarian cancer syndrome; Breast and ovarian cancer; BRCA1- and BRCA2-Associated Hereditary Breast and Ovarian Cancer; Hereditary breast and ovarian cancer; Hereditary breast and/or ovarian cancer syndrome; Hereditary breast and ovarian cancer syndrome (HBOC). Identifiers: Orphanet 145, MedGen C0677776, MeSH D061325, MONDO:0003582. Disease mechanism: loss of function.

Submissions (5):

Ambry Genetics
Classification: Uncertain significance for Hereditary cancer-predisposing syndrome. Last evaluated: 2025-07-12. Review status: criteria provided, single submitter. Criteria: Ambry Variant Classification Scheme 2023. Collection method: clinical testing. Allele origin: germline.
Comment: The p.V1247A variant (also known as c.3740T>C), located in coding exon 9 of the BRCA1 gene, results from a T to C substitution at nucleotide position 3740. The valine at codon 1247 is replaced by alanine, an amino acid with similar properties. This amino acid position is conserved. In addition, the in silico prediction for this alteration is inconclusive. Based on the available evidence, the clinical significance of this variant remains unclear.

Quest Diagnostics Nichols Institute San Juan Capistrano
Classification: Uncertain significance. Last evaluated: 2024-09-06. Review status: criteria provided, single submitter. Criteria: Quest Diagnostics criteria. Collection method: clinical testing. Allele origin: unknown.
Comment: The BRCA1 c.3740T>C (p.Val1247Ala) variant has not been reported in individuals with BRCA1-related conditions in the published literature. It also has not been reported in large, multi-ethnic general populations (Genome Aggregation Database). Analysis of this variant using bioinformatics tools for the prediction of the effect of amino acid changes on protein structure and function yielded predictions that this variant is benign. Based on the available information, we are unable to determine the clinical significance of this variant.

Labcorp Genetics (formerly Invitae), Labcorp
Classification: Uncertain significance for Hereditary breast ovarian cancer syndrome. Last evaluated: 2024-07-30. Review status: criteria provided, single submitter. Criteria: Invitae Variant Classification Sherloc (09022015). Collection method: clinical testing. Allele origin: germline.
Comment: This sequence change replaces valine, which is neutral and non-polar, with alanine, which is neutral and non-polar, at codon 1247 of the BRCA1 protein (p.Val1247Ala). This variant is not present in population databases (gnomAD no frequency). This variant has not been reported in the literature in individuals affected with BRCA1-related conditions. ClinVar contains an entry for this variant (Variation ID: 835429). Advanced modeling of protein sequence and biophysical properties (such as structural, functional, and spatial information, amino acid conservation, physicochemical variation, residue mobility, and thermodynamic stability) performed at Invitae indicates that this missense variant is not expected to disrupt BRCA1 protein function with a negative predictive value of 95%. In summary, the available evidence is currently insufficient to determine the role of this variant in disease. Therefore, it has been classified as a Variant of Uncertain Significance.

GeneDx
Classification: Uncertain significance. Last evaluated: 2023-12-22. Review status: criteria provided, single submitter. Criteria: GeneDx Variant Classification Process June 2021. Collection method: clinical testing. Allele origin: germline. Affected: yes.
Comment: Not observed at significant frequency in large population cohorts (gnomAD); In silico analysis supports that this missense variant does not alter protein structure/function; Has not been previously published as pathogenic or benign to our knowledge; Also known as 3859T>C

University of Washington Department of Laboratory Medicine, University of Washington
Classification: Likely benign for Hereditary cancer-predisposing syndrome. Last evaluated: 2023-03-23. Review status: criteria provided, single submitter. Criteria: Dines et al. (Genet Med. 2020). Collection method: curation. Allele origin: germline.
Comment: Missense variant in a coldspot region where missense variants are very unlikely to be pathogenic (PMID:31911673).

BRCA1 coldspot (exon 11 using historical exon numbering). Reclassification based on statistical prior probability

Literature cited by the submitters: PubMed 26003801 (cited by Quest Diagnostics Nichols Institute San Juan Capistrano); PubMed 29884841 (cited by Quest Diagnostics Nichols Institute San Juan Capistrano).

NM_007294.4(BRCA1):c.3740T>C (p.Val1247Ala)

Genes: BRCA1 (BRCA1 DNA repair associated; minus strand), LOC126862571 (BRD4-independent group 4 enhancer GRCh37_chr17:41243136-41244335; plus strand). Cytogenetic location: 17q21.31.
Variant type: single nucleotide variant.
Coding change: c.3740T>C on transcript NM_007294.4 (MANE Select); coding-DNA position 3740, T replaced by C.
Protein change: p.Val1247Ala; replaces valine 1247 with alanine.
Molecular consequence: missense variant. On other transcripts: intron variant (135).
Genome position (GRCh38, 1-based): chr17:43,091,791, A>G on the plus strand (T>C on the coding strand, the complement: BRCA1 is on the minus strand). VCF-style: chr17-43091791-A-G. GRCh37 (hg19) VCF-style: chr17-41243808-A-G.
Other names: c.3740T>C, p.Val1247Ala (NM_001407858.1, NM_001407859.1, NM_001407581.1 and 30 more transcripts); c.3737T>C, p.Val1246Ala (NM_001407860.1, NM_001407861.1, NM_001407587.1 and 22 more transcripts); c.3530T>C, p.Val1177Ala (NM_001407907.1, NM_001407908.1, NM_001407909.1 and 13 more transcripts); c.3536T>C, p.Val1179Ala (NM_001407874.1, NM_001407875.1); c.3539T>C, p.Val1180Ala (NM_001407862.1); c.3617T>C, p.Val1206Ala (NM_001407863.1, NM_001407648.1, NM_001407664.1 and 19 more transcripts); c.3527T>C, p.Val1176Ala (NM_001407894.1, NM_001407895.1, NM_001407896.1 and 9 more transcripts); c.3731T>C, p.Val1244Ala (NM_001407646.1, NM_001407647.1); and 41 more; short protein forms V1200A, V1247A, V1079A, V1119A, V1136A, V1158A, V1177A, V1206A.
Identifiers: ClinVar variation 835429 (VCV000835429.16), dbSNP rs2053534509, ClinGen allele CA10594487.